The following is an entry in ClinVar:

NM_001368894.2(PAX6):c.1075-174G>A

Gene: PAX6 (paired box 6; minus strand). Cytogenetic location: 11p13.
Variant type: single nucleotide variant.
Coding change: c.1075-174G>A on transcript NM_001368894.2 (MANE Select); 174 bases into the intron before coding-DNA position 1075, G replaced by A.
Molecular consequence: intron variant.
Genome position (GRCh38, 1-based): chr11:31,791,034, C>T on the plus strand (G>A on the coding strand, the complement: PAX6 is on the minus strand). VCF-style: chr11-31791034-C-T. GRCh37 (hg19) VCF-style: chr11-31812582-C-T.
Other names: c.1033-174G>A (NM_001127612.3, NM_001368890.2, NM_001368888.2 and 6 more transcripts); c.874-1015G>A (NM_001368921.2); c.874-174G>A (NM_001368923.2, NM_001368926.2, NM_001368927.2 and 3 more transcripts); c.1075-174G>A (NM_001258462.3, NM_001310158.2, NM_001258463.2 and 3 more transcripts); c.1150-174G>A (NM_001368919.2, NM_001368918.2); c.1033-1015G>A (NM_001368915.2, NM_001368917.2, NM_001368916.2); c.1075-1015G>A (NM_001368914.2, NM_001368912.2, NM_001368913.2); c.1276-174G>A (NM_001368910.2); and 6 more.
Identifiers: ClinVar variation 674009 (VCV000674009.3), dbSNP rs2071754, ClinGen allele CA13413455.

ClinVar aggregate classification (germline): Benign. Review status: criteria provided, multiple submitters, no conflicts (2 of 4 stars). 2 submissions from 2 submitters: Benign (2). Last evaluated 2018-06-19.

Allele frequency attached by ClinVar (database versions not stated): 1000 Genomes Project 30x 0.61727; 1000 Genomes Project 0.62021; TOPMed 0.66735; gnomAD 0.68628 and 0.68727; gnomAD exomes 0.75778.
gnomAD v4.1: 566,359 of 762,266 alleles (74%); highest among the groups gnomAD compares: Non-Finnish European, 81%; 215,595 homozygotes.

Submissions (2):

GeneDx
Classification: Benign. Last evaluated: 2018-06-19. Review status: criteria provided, single submitter. Criteria: GeneDx Variant Classification (06012015). Collection method: clinical testing. Allele origin: germline. Affected: yes.
Comment: This variant is considered likely benign or benign based on one or more of the following criteria: it is a conservative change, it occurs at a poorly conserved position in the protein, it is predicted to be benign by multiple in silico algorithms, and/or has population frequency not consistent with disease.

Breakthrough Genomics
Classification: Benign. Review status: criteria provided, single submitter. Criteria: ACMG Guidelines, 2015. Collection method: not provided. Allele origin: germline. Inheritance: Autosomal dominant inheritance. Affected: yes.